The following is an entry in ClinVar:

NM_020066.5(FMN2):c.3099G>A (p.Pro1033=)

Gene: FMN2 (formin 2; plus strand). Cytogenetic location: 1q43.
Variant type: single nucleotide variant.
Coding change: c.3099G>A on transcript NM_020066.5 (MANE Select); coding-DNA position 3099, G replaced by A.
Protein change: p.Pro1033=; no amino-acid change (proline 1033 retained).
Molecular consequence: synonymous variant. On other transcripts: intron variant (1).
Genome position (GRCh38, 1-based): chr1:240,207,911, G>A. VCF-style: chr1-240207911-G-A. GRCh37 (hg19) VCF-style: chr1-240371211-G-A.
Other names: c.3111G>A, p.Pro1037= (NM_001305424.2); c.1986+19649G>A (NM_001348094.2).
Identifiers: ClinVar variation 2640162 (VCV002640162.24), dbSNP rs201587786, ClinGen allele CA424385469.

ClinVar aggregate classification (germline): Likely benign (1 of 4 stars; one submission).

Submission:

CeGaT Center for Human Genetics Tuebingen
Classification: Likely benign. Last evaluated: 2025-06-01. Review status: criteria provided, single submitter. Criteria: CeGaT Center For Human Genetics Tuebingen Variant Classification Criteria Version 2. Collection method: clinical testing. Allele origin: germline. Affected: yes. Observed: 5 variant alleles.
Comment: FMN2: BP4, BP7